The following is an entry in ClinVar:

NM_005869.4(CWC27):c.935G>A (p.Arg312His)

Gene: CWC27 (CWC27 spliceosome associated cyclophilin; plus strand). Cytogenetic location: 5q12.3.
Variant type: single nucleotide variant.
Coding change: c.935G>A on transcript NM_005869.4 (MANE Select); coding-DNA position 935, G replaced by A.
Protein change: p.Arg312His; replaces arginine 312 with histidine.
Molecular consequence: missense variant.
Genome position (GRCh38, 1-based): chr5:64,804,383, G>A. VCF-style: chr5-64804383-G-A. GRCh37 (hg19) VCF-style: chr5-64100210-G-A.
Other names: c.935G>A, p.Arg312His (NM_001297644.1, NM_001297645.2, NM_001318000.2 and 1 more transcripts); short protein forms R312H.
Identifiers: ClinVar variation 2176154 (VCV002176154.4), dbSNP rs775866124, ClinGen allele CA3282124.

ClinVar aggregate classification (germline): Uncertain significance (1 of 4 stars; one submission).

Allele frequency attached by ClinVar (database versions not stated): gnomAD exomes 0.00001; gnomAD 0.00002; TOPMed 0.00002; ExAC 0.00003.
gnomAD v4.1: 23 of 1,609,212 alleles (0.0014%); highest among the groups gnomAD compares: Middle Eastern, 0.018%; no homozygotes.

Submission:

Labcorp Genetics (formerly Invitae), Labcorp
Classification: Uncertain significance. Last evaluated: 2023-10-11. Review status: criteria provided, single submitter. Criteria: Invitae Variant Classification Sherloc (09022015). Collection method: clinical testing. Allele origin: germline.
Comment: This sequence change replaces arginine, which is basic and polar, with histidine, which is basic and polar, at codon 312 of the CWC27 protein (p.Arg312His). This variant is present in population databases (rs775866124, gnomAD 0.007%). This variant has not been reported in the literature in individuals affected with CWC27-related conditions. ClinVar contains an entry for this variant (Variation ID: 2176154). An algorithm developed to predict the effect of missense changes on protein structure and function (PolyPhen-2) suggests that this variant is likely to be tolerated. In summary, the available evidence is currently insufficient to determine the role of this variant in disease. Therefore, it has been classified as a Variant of Uncertain Significance.